The following is an entry in ClinVar:

NM_001165963.4(SCN1A):c.1487A>G (p.Glu496Gly)

Gene: SCN1A (sodium voltage-gated channel alpha subunit 1; minus strand). Cytogenetic location: 2q24.3.
Variant type: single nucleotide variant.
Coding change: c.1487A>G on transcript NM_001165963.4 (MANE Select); coding-DNA position 1487, A replaced by G.
Protein change: p.Glu496Gly; replaces glutamic acid 496 with glycine.
Molecular consequence: missense variant. On other transcripts: 5 prime UTR variant (1), non-coding transcript variant (1).
Genome position (GRCh38, 1-based): chr2:166,045,218, T>C on the plus strand (A>G on the coding strand, the complement: SCN1A is on the minus strand). VCF-style: chr2-166045218-T-C. GRCh37 (hg19) VCF-style: chr2-166901728-T-C.
Other names: c.1487A>G, p.Glu496Gly (NM_001165964.3, NM_001202435.3, NM_001353948.2 and 7 more transcripts); c.1484A>G, p.Glu495Gly (NM_001353954.2, NM_001353955.2, NM_001353960.2); c.-939A>G (NM_001353961.2); c.1487A>G (NM_001165963.1); short protein forms E496G, E495G.
Identifiers: ClinVar variation 1990782 (VCV001990782.6), dbSNP rs772103115, ClinGen allele CA1943298.
Genomic context (GRCh38, chr2:166,045,218, plus strand): 5'-TCTTTCTCTTCCCCACCAGACTGCTCTTTCTGTTTTCTTTTCTTCCTCCGATTTCTTCTT[T>C]CCTTAGCACTCTTGGAACTCAACTTAGAGGCTTCAGATGAGCTGTCTGAGAGCCTGCCTG-3'
Protein context (NP_001159435.1, residues 486-506): ASKLSSKSAK[Glu496Gly]RRNRRKKRKQ

ClinVar aggregate classification (germline): Uncertain significance. Review status: criteria provided, multiple submitters, no conflicts (2 of 4 stars). 2 submissions from 2 submitters: Uncertain significance (2). Last evaluated 2024-07-11.

Conditions:
Early-infantile DEE. Also called: Early infantile epileptic encephalopathy; Ohtahara syndrome; Early infantile epileptic encephalopathy with suppression bursts. Identifiers: Orphanet 1934, MedGen C0393706, MONDO:0800491.

Allele frequency attached by ClinVar (database versions not stated): ExAC 0.00001; gnomAD exomes 0.00001.
gnomAD v4.1: 17 of 1,614,180 alleles (0.0011%); highest among the groups gnomAD compares: Non-Finnish European, 0.0014%; no homozygotes.

Submissions (2):

GeneDx
Classification: Uncertain significance. Last evaluated: 2024-07-11. Review status: criteria provided, single submitter. Criteria: GeneDx Variant Classification Process June 2021. Collection method: clinical testing. Allele origin: germline.
Comment: Not observed at significant frequency in large population cohorts (gnomAD); In silico analysis supports that this missense variant has a deleterious effect on protein structure/function; This substitution is predicted to be within the cytoplasmic loop between the first and second homologous domains; Has not been previously published as pathogenic or benign to our knowledge

Labcorp Genetics (formerly Invitae), Labcorp
Classification: Uncertain significance for Early-infantile DEE. Last evaluated: 2023-11-13. Review status: criteria provided, single submitter. Criteria: Invitae Variant Classification Sherloc (09022015). Collection method: clinical testing. Allele origin: germline.
Comment: This sequence change replaces glutamic acid, which is acidic and polar, with glycine, which is neutral and non-polar, at codon 496 of the SCN1A protein (p.Glu496Gly). This variant is present in population databases (rs772103115, gnomAD 0.002%). This variant has not been reported in the literature in individuals affected with SCN1A-related conditions. ClinVar contains an entry for this variant (Variation ID: 1990782). Advanced modeling of protein sequence and biophysical properties (such as structural, functional, and spatial information, amino acid conservation, physicochemical variation, residue mobility, and thermodynamic stability) performed at Invitae indicates that this missense variant is expected to disrupt SCN1A protein function with a positive predictive value of 95%. In summary, the available evidence is currently insufficient to determine the role of this variant in disease. Therefore, it has been classified as a Variant of Uncertain Significance.